The following is an entry in ClinVar:

NM_007186.6(CEP250):c.598A>G (p.Arg200Gly)

Gene: CEP250 (centrosomal protein 250; plus strand). Cytogenetic location: 20q11.22.
Variant type: single nucleotide variant.
Coding change: c.598A>G on transcript NM_007186.6 (MANE Select); coding-DNA position 598, A replaced by G.
Protein change: p.Arg200Gly; replaces arginine 200 with glycine.
Molecular consequence: missense variant. On other transcripts: 5 prime UTR variant (1).
Genome position (GRCh38, 1-based): chr20:35,467,071, A>G. VCF-style: chr20-35467071-A-G. GRCh37 (hg19) VCF-style: chr20-34054896-A-G.
Other names: c.-1302A>G (NM_001318219.1); c.598A>G (NM_007186.3); short protein forms R200G.
Identifiers: ClinVar variation 1370555 (VCV001370555.5), dbSNP rs1423228104, ClinGen allele CA408755231.

ClinVar aggregate classification (germline): Uncertain significance. Review status: criteria provided, multiple submitters, no conflicts (2 of 4 stars). 2 submissions from 2 submitters: Uncertain significance (2). Last evaluated 2024-01-17.

Allele frequency attached by ClinVar (database versions not stated): gnomAD exomes 0.00001; TOPMed 0.00003.
gnomAD v4.1: 27 of 1,588,666 alleles (0.0017%); highest among the groups gnomAD compares: African/African-American, 0.0028%; no homozygotes.

Submissions (2):

Labcorp Genetics (formerly Invitae), Labcorp
Classification: Uncertain significance. Last evaluated: 2024-01-17. Review status: criteria provided, single submitter. Criteria: Invitae Variant Classification Sherloc (09022015). Collection method: clinical testing. Allele origin: germline.
Comment: This sequence change replaces arginine, which is basic and polar, with glycine, which is neutral and non-polar, at codon 200 of the CEP250 protein (p.Arg200Gly). This variant is present in population databases (no rsID available, gnomAD 0.004%). This variant has not been reported in the literature in individuals affected with CEP250-related conditions. ClinVar contains an entry for this variant (Variation ID: 1370555). An algorithm developed to predict the effect of missense changes on protein structure and function (PolyPhen-2) suggests that this variant is likely to be disruptive. Algorithms developed to predict the effect of sequence changes on RNA splicing suggest that this variant may disrupt the consensus splice site. In summary, the available evidence is currently insufficient to determine the role of this variant in disease. Therefore, it has been classified as a Variant of Uncertain Significance.

Ambry Genetics
Classification: Uncertain significance. Last evaluated: 2022-11-30. Review status: criteria provided, single submitter. Criteria: Ambry Variant Classification Scheme 2023. Collection method: clinical testing. Allele origin: germline.